The following continues an entry in ClinVar:

NM_000138.5(FBN1):c.5788+5G>A

Gene: FBN1. ClinVar aggregate classification (germline): Pathogenic/Likely pathogenic. Pathogenic (18); Likely pathogenic (1).

Submissions 9 to 24 of 24:

Women's Health and Genetics/Laboratory Corporation of America, LabCorp
Classification: Pathogenic for Marfan Syndrome/Loeys-Dietz Syndrome/Familial Thoracic Aortic Aneurysms and Dissections. Last evaluated: 2023-01-16. Review status: criteria provided, single submitter. Criteria: LabCorp Variant Classification Summary - May 2015. Collection method: clinical testing. Allele origin: germline.
Comment: Variant summary: FBN1 c.5788+5G>A alters a conserved nucleotide located close to a canonical splice site and therefore could affect mRNA splicing, leading to a significantly altered protein sequence. Several computational tools predict a significant impact on normal splicing: Four predict the variant abolishes the canonical 5' splicing donor site. One predicts the variant weakens the canonical 5' splicing donor site. Two publications report experimental evidence suggesting that this variant causes skipping of exon 46 (Liu_1996; Nijbroek_1995). The variant was absent in 251390 control chromosomes. c.5788+5G>A has been reported in the literature in multiple individuals affected with Marfan Syndrome (example, Baetens_2011, Liu_1996, Nijbroek_1995, Rand-Hendriksen_2007, Stheneur_2009). These data indicate that the variant is very likely to be associated with disease. Eleven clinical diagnostic laboratories have submitted clinical-significance assessments for this variant to ClinVar after 2014 and all classified the variant as pathogenic/likely pathogenic. Based on the evidence outlined above, the variant was classified as pathogenic.

GeneDx
Classification: Pathogenic. Last evaluated: 2022-04-01. Review status: criteria provided, single submitter. Criteria: GeneDx Variant Classification Process June 2021. Collection method: clinical testing. Allele origin: germline. Affected: yes.
Comment: Published functional studies showed RT-PCR performed on fibroblasts from individuals harboring this variant revealed c.5788+5 G>A leads to in-frame skipping of the preceding exon (Nijbroek et al., 1995; Lui et al., 1996; Wai et al., 2020).; Reported in ClinVar as pathogenic or likely pathogenic (ClinVar Variant ID# 42394; ClinVar); Intronic +5 splice site variant in a gene for which loss of function is a known mechanism of disease, and splice predictors support a deleterious effect; This variant is associated with the following publications: (PMID: 19293843, 11700157, 21542060, 14695540, 24161884, 8894692, 34818515, 34550612, 34498425, 7611299, 25525159, 17657824, 10533071, 12402346, 16835936, 17663468, 19159394, 33174221, 33083483, 31098894, 31730815, 16220557, 32123317, 16222657, 26582918)

Victorian Clinical Genetics Services, Murdoch Childrens Research Institute
Classification: Pathogenic for Marfan syndrome. Last evaluated: 2022-02-02. Review status: criteria provided, single submitter. Criteria: ACMG Guidelines, 2015. Collection method: clinical testing. Allele origin: germline. Inheritance: Autosomal dominant inheritance.
Comment: Based on the classification scheme VCGS_Germline_v1.3.4, this variant is classified as Pathogenic. Following criteria are met: 0103 - Dominant negative and loss of function are known mechanisms of disease in this gene and are associated with FBN1-related disease. Variants predicted to result in nonsense mediated decay cause loss of function effects and are more commonly associated with severe Marfan syndrome (MIM#154700). Missense variants with both dominant negative and loss of function effects on protein function, are also associated with causing Marfan syndrome and ectopia lentis (MIM#129600) (OMIM, PMID: 29357934). (I) 0107 - This gene is predominantly associated with autosomal dominant disease; however some individuals have been reported with an autosomal recessive form of Marfan syndrome (OMIM). (I) 0115 - Variants in this gene are known to have variable expressivity. The genotype-phenotype correlations for this gene are unclear, with the same variant reported in patients with a range of phenotypes (OMIM). (I) 0210 - Splice site variant proven to affect splicing of the transcript with a known effect on protein sequence. RT-PCR analysis of cultured fibroblasts from an affected individual showed that the variant causes in-frame skipping of exon 47 and a small amount of abnormally spliced transcripts utilized a cryptic splice donor or a cryptic splice acceptor (PMID: 7611299). (SP) 0251 - This variant is heterozygous. (I) 0302 - Variant is present in gnomAD (v3) <0.001 for a dominant condition (1 heterozygote, 0 homozygotes). (SP) 0704 - Another splice variant comparable to the one identified in this case has limited previous evidence for pathogenicity. The c.5788+5G>T variant has been observed in an individual with Marfan syndrome and classified as likely pathogenic (VCGS laboratory). This variant has also been reported twice as a VUS in ClinVar. (SP) 0801 - This variant has strong previous evidence of pathogenicity in unrelated individuals. This variant has been reported in multiple individuals with Marfan syndrome (ClinVar, PMID: 7611299, PMID: 24161884). (SP) 1208 - Inheritance information for this variant is not currently available in this individual. (I) Legend: (SP) - Supporting pathogenic, (I) - Information, (SB) - Supporting benign

Centre of Medical Genetics, University Hospital Muenster
Classification: Pathogenic. Last evaluated: 2021-12-08. Review status: criteria provided, single submitter. Criteria: ACMG Guidelines, 2015. Collection method: clinical testing. Allele origin: de novo. Affected: yes. Observed: 1 variant allele, 1 heterozygote.
Comment: ACMG categories: PS2,PM2,PP3,PP5

Centre of Medical Genetics, University of Antwerp
Classification: Likely pathogenic for Marfan syndrome. Last evaluated: 2021-03-01. Review status: criteria provided, single submitter. Criteria: Submitter's publication. Collection method: research. Allele origin: unknown. Affected: yes. Observed: 4 variant alleles.
Comment: PM2, PS1, PP1, PP4 and PM2, PS1, PP4

Institute of Medical Genetics and Applied Genomics, University Hospital Tübingen
Classification: Pathogenic. Last evaluated: 2020-10-23. Review status: criteria provided, single submitter. Criteria: ACMG Guidelines, 2015. Collection method: clinical testing. Allele origin: germline. Inheritance: Autosomal dominant inheritance. Affected: yes.

CHEO Genetics Diagnostic Laboratory, Children's Hospital of Eastern Ontario
Classification: Pathogenic for Familial thoracic aortic aneurysm and aortic dissection. Last evaluated: 2018-02-03. Review status: criteria provided, single submitter. Criteria: ACMG Guidelines, 2015. Collection method: clinical testing. Allele origin: germline.

Center for Human Genetics, Inc
Classification: Pathogenic for Marfan syndrome. Last evaluated: 2016-11-01. Review status: criteria provided, single submitter. Criteria: ACMG Guidelines, 2015. Collection method: clinical testing. Allele origin: germline. Affected: yes.

Laboratory for Molecular Medicine, Mass General Brigham Personalized Medicine
Classification: Pathogenic for Marfan syndrome. Last evaluated: 2014-02-17. Review status: criteria provided, single submitter. Criteria: LMM Criteria. Collection method: clinical testing. Allele origin: germline. Inheritance: Autosomal dominant inheritance. Observed: 2 variant alleles.
Comment: The 5788+5G>A variant has been previously reported in >15 individuals with a cli nical diagnosis or features of Marfan syndrome, and was reported to have occurre d de novo in >10 of these individuals (Nijbroek 1995, Yuan 1999, Loeys 2001, Com eglio 2007, Rommel 2002, Biggin 2004, Arbustini 2005, Sakai 2006, Rand-Hendrikse n 2007, Stheneur 2009, Soylen 2009, Baetens 2011, Aalberts 2014, LMM unpublished data). This variant was absent from large population studies. This variant occu rs in the highly conserved 5' splicing consensus sequence. Nijbroek et al. (1995 ) observed skipping of exon 46 in fibroblasts from an affected individual with t his variant, which is predicted to result in an abnormal protein product. In sum mary, this variant meets our criteria to be classified as pathogenic.

Clinical Genetics Service, Universitary Hospital 12 de Octubre
Classification: Pathogenic for Marfan syndrome. Review status: criteria provided, single submitter. Criteria: ACMG Guidelines, 2015. Collection method: clinical testing. Allele origin: germline. Affected: yes.

Suma Genomics
Classification: Pathogenic for Marfan syndrome. Review status: criteria provided, single submitter. Criteria: ACMG Guidelines, 2015. Collection method: clinical testing. Allele origin: de novo. Inheritance: Autosomal dominant inheritance. Affected: yes.

PreventionGenetics, part of Exact Sciences
Classification: Pathogenic for FBN1-related condition. Last evaluated: 2024-01-19. Review status: no assertion criteria provided. Collection method: clinical testing. Allele origin: germline. Not counted in ClinVar's aggregate classification.
Comment: The FBN1 c.5788+5G>A variant is predicted to interfere with splicing. This variant has been reported in many affected individuals in the FBN1 mutation database and is documented as pathogenic for Marfan syndrome (Liu et al. 1996. PubMed ID: 8894692; Nijbroek et al. 1995. PubMed ID: 7611299; Yuan et al. 1999. PubMed ID: 10533071; Table S1, Li et al. 2019. PubMed ID: 31098894; Mannucci et al. 2020. PubMed ID: 31730815). The c.5788+5G>A has been shown to result in exon skipping in patient-derived skin fibroblasts (Nijbroek et al. 1995. PubMed ID: 7611299; Liu et al. 1996. PubMed ID: 8894692). This variant has not been reported in a large population database, indicating this variant is rare. This variant is interpreted as pathogenic.

deCODE genetics, Amgen
Classification: Pathogenic for Marfan syndrome. Last evaluated: 2023-04-10. Review status: no assertion criteria provided. Collection method: case-control. Allele origin: germline. Affected: yes. Observed: 2 variant alleles. Not counted in ClinVar's aggregate classification.
Comment: The c.5788+5G>A variant occurred de novo in two siblings (shared de novo) with Marfan syndrome, maternity and paternity confirmed, parental mosaicism assumed. Applied ACMG criteria: PS2, PM2, PP2, PP4, PP5_strong

Center for Medical Genetics Ghent, University of Ghent
Classification: Likely pathogenic for Marfan syndrome. Last evaluated: 2017-11-07. Review status: no assertion criteria provided. Collection method: clinical testing. Allele origin: germline. Affected: yes. Not counted in ClinVar's aggregate classification.

Centre for Mendelian Genomics, University Medical Centre Ljubljana
Classification: Pathogenic for Aortic root aneurysm; Arachnodactyly; Aortic dissection; Ectopia lentis; Ischemic stroke; Melanoma; High myopia. Last evaluated: 2016-05-25. Review status: no assertion criteria provided. Collection method: clinical testing. Allele origin: unknown. Affected: yes. Not counted in ClinVar's aggregate classification.

OMIM
Classification: Pathogenic for MARFAN SYNDROME. Last evaluated: 2003-09-01. Review status: no assertion criteria provided. Collection method: literature only. Allele origin: germline. Not counted in ClinVar's aggregate classification.

Literature cited by the submitters: PubMed 7611299 (cited by 8 submitters); PubMed 11700157 (cited by 5 submitters); PubMed 12402346 (cited by 6 submitters); PubMed 14695540 (cited by Labcorp Genetics (formerly Invitae), Labcorp and Laboratory for Molecular Medicine, Mass General Brigham Personalized Medicine); PubMed 17657824 (cited by 4 submitters); PubMed 17663468 (cited by 4 submitters); PubMed 17576681 (cited by Labcorp Genetics (formerly Invitae), Labcorp); PubMed 9536098 (cited by Labcorp Genetics (formerly Invitae), Labcorp); PubMed 10533071 (cited by 3billion and Laboratory for Molecular Medicine, Mass General Brigham Personalized Medicine); PubMed 16222657 (cited by 4 submitters); PubMed 16835936 (cited by 3 submitters); PubMed 19159394 (cited by Ambry Genetics and Laboratory for Molecular Medicine, Mass General Brigham Personalized Medicine); PubMed 19293843 (cited by 3 submitters); PubMed 21542060 (cited by 4 submitters); PubMed 31098894 (cited by Ambry Genetics); PubMed 8894692 (cited by 3 submitters); PubMed 9401003 (cited by Women's Health and Genetics/Laboratory Corporation of America, LabCorp); PubMed 10874320 (cited by Women's Health and Genetics/Laboratory Corporation of America, LabCorp); PubMed 16220557 (cited by Women's Health and Genetics/Laboratory Corporation of America, LabCorp); PubMed 17253931 (cited by Women's Health and Genetics/Laboratory Corporation of America, LabCorp); PubMed 26133393 (cited by Women's Health and Genetics/Laboratory Corporation of America, LabCorp); PubMed 24161884 (cited by Victorian Clinical Genetics Services, Murdoch Childrens Research Institute and Laboratory for Molecular Medicine, Mass General Brigham Personalized Medicine); PubMed 29357934 (cited by Victorian Clinical Genetics Services, Murdoch Childrens Research Institute); PubMed 37684520 (cited by deCODE genetics, Amgen); PubMed 12938084 (cited by OMIM).